The following is an entry in ClinVar:

ClinVar aggregate classification (germline): Uncertain significance. Review status: criteria provided, multiple submitters, no conflicts (2 of 4 stars). 3 submissions from 3 submitters: Uncertain significance (2). 1 of the submissions does not count toward it. Last evaluated 2025-03-30.

Conditions:
Athabaskan severe combined immunodeficiency (SCIDA). Also called: Severe combined immunodeficiency, athabascan-type. Identifiers: MedGen C1865370.
Severe combined immunodeficiency due to DCLRE1C deficiency (RS-SCID). Also called: SCID, AUTOSOMAL RECESSIVE, T CELL-NEGATIVE, B CELL-NEGATIVE, NK CELL-POSITIVE, WITH SENSITIVITY TO IONIZING RADIATION. Identifiers: Orphanet 275, MedGen C1865371, MONDO:0011225, OMIM 602450.
Inborn genetic diseases. Identifiers: MedGen C0950123, MeSH D030342.

Allele frequency attached by ClinVar (database versions not stated): gnomAD exomes 0.00001 and 0.00004; ExAC 0.00001; gnomAD 0.00002; TOPMed 0.00002.
gnomAD v4.1: 62 of 1,613,510 alleles (0.0038%); highest among the groups gnomAD compares: Non-Finnish European, 0.0049%; no homozygotes.

Submissions (3):

Ambry Genetics
Classification: Uncertain significance for Inborn genetic diseases. Last evaluated: 2025-03-30. Review status: criteria provided, single submitter. Criteria: Ambry Variant Classification Scheme 2023. Collection method: clinical testing. Allele origin: germline.

Labcorp Genetics (formerly Invitae), Labcorp
Classification: Uncertain significance for Athabaskan severe combined immunodeficiency. Last evaluated: 2022-01-07. Review status: criteria provided, single submitter. Criteria: Invitae Variant Classification Sherloc (09022015). Collection method: clinical testing. Allele origin: germline.
Comment: This sequence change replaces isoleucine, which is neutral and non-polar, with valine, which is neutral and non-polar, at codon 342 of the DCLRE1C protein (p.Ile342Val). This variant is present in population databases (rs759789901, gnomAD 0.003%). This variant has not been reported in the literature in individuals affected with DCLRE1C-related conditions. ClinVar contains an entry for this variant (Variation ID: 966135). Algorithms developed to predict the effect of missense changes on protein structure and function (SIFT, PolyPhen-2, Align-GVGD) all suggest that this variant is likely to be tolerated. In summary, the available evidence is currently insufficient to determine the role of this variant in disease. Therefore, it has been classified as a Variant of Uncertain Significance.

Natera, Inc.
Classification: Uncertain significance for Athabascan severe combined immunodeficiency. Last evaluated: 2020-03-10. Review status: no assertion criteria provided. Collection method: clinical testing. Allele origin: germline. Not counted in ClinVar's aggregate classification.

NM_001033855.3(DCLRE1C):c.1024A>G (p.Ile342Val)

Gene: DCLRE1C (DNA cross-link repair 1C; minus strand). Cytogenetic location: 10p13.
Variant type: single nucleotide variant.
Coding change: c.1024A>G on transcript NM_001033855.3 (MANE Select); coding-DNA position 1024, A replaced by G.
Protein change: p.Ile342Val; replaces isoleucine 342 with valine.
Molecular consequence: missense variant. On other transcripts: non-coding transcript variant (4).
Genome position (GRCh38, 1-based): chr10:14,923,018, T>C on the plus strand (A>G on the coding strand, the complement: DCLRE1C is on the minus strand). VCF-style: chr10-14923018-T-C. GRCh37 (hg19) VCF-style: chr10-14965017-T-C.
Other names: c.664A>G, p.Ile222Val (NM_001033857.3, NM_001033858.3, NM_001289077.2 and 2 more transcripts); c.679A>G, p.Ile227Val (NM_001289076.2, NM_001289078.2, NM_001350966.2 and 1 more transcripts); c.1024A>G, p.Ile342Val (NM_001350965.2); c.1024A>G (NM_001033855.1); short protein forms I342V, I227V, I222V.
Identifiers: ClinVar variation 966135 (VCV000966135.5), dbSNP rs759789901, ClinGen allele CA5416582.